The following is an entry in ClinVar:

NM_001844.5(COL2A1):c.1023+3_1023+6del

Gene: COL2A1 (collagen type II alpha 1 chain; minus strand). Cytogenetic location: 12q13.11.
Variant type: Deletion.
Coding change: c.1023+3_1023+6del on transcript NM_001844.5 (MANE Select); bases 3 to 6 of the intron after coding-DNA position 1023, 4 bases deleted (GAGT; older notation c.1023+3_1023+6delGAGT).
Molecular consequence: splice donor variant.
Genome position (GRCh38, 1-based): chr12:47,992,872-47,992,875, ACTC deleted on the plus strand (GAGT on the coding strand, the reverse complement: COL2A1 is on the minus strand); deleting any 4 consecutive bases within chr12:47,992,872-47,992,877 gives the same sequence; the c. name uses the placement nearest the transcript's 3' end. VCF-style (leftmost placement, unchanged base first): chr12-47992871-TACTC-T. GRCh37 (hg19) VCF-style: chr12-48386654-TACTC-T.
Other names: c.816+3_816+6del (NM_033150.3).
Identifiers: ClinVar variation 2137345 (VCV002137345.6), dbSNP rs2540165425, ClinGen allele CA1139771713.
Genomic context (GRCh38, chr12:47,992,871, plus strand): 5'-GAGAAACAAACCTGTAAACTCTAAAGTGCTCGGCAAATGGTGGTGTTTGGCTTTGTCAAT[TACTC>T]ACCGCAGCGCCAGCAGGGCCAGTCCGTCCTCTTTCACCAGGCAGGCCACGAGGACCCTGG-3'

ClinVar aggregate classification (germline): Pathogenic/Likely pathogenic. Review status: criteria provided, multiple submitters, no conflicts (2 of 4 stars). 3 submissions from 3 submitters: Pathogenic (1); Likely pathogenic (2). Last evaluated 2025-03-17.

Conditions:
COL2A1-related disorder. Also called: COL2A1-related condition; COL2A1-related disorders.

Submissions (3):

Labcorp Genetics (formerly Invitae), Labcorp
Classification: Likely pathogenic. Last evaluated: 2025-03-17. Review status: criteria provided, single submitter. Criteria: Invitae Variant Classification Sherloc (09022015). Collection method: clinical testing. Allele origin: germline.
Comment: This sequence change falls in intron 16 of the COL2A1 gene. It does not directly change the encoded amino acid sequence of the COL2A1 protein. It affects a nucleotide within the consensus splice site. This variant is not present in population databases (gnomAD no frequency). This variant has been observed in individual(s) with autosomal domiant spondyloepiphyseal dysplasia, autosomal dominant Kniest dysplasia, and/or Stickler syndrome (PMID: 10406661; internal data). ClinVar contains an entry for this variant (Variation ID: 2137345). Variants that disrupt the consensus splice site are a relatively common cause of aberrant splicing (PMID: 17576681, 9536098). Algorithms developed to predict the effect of sequence changes on RNA splicing suggest that this variant may disrupt the consensus splice site. In summary, the currently available evidence indicates that the variant is pathogenic, but additional data are needed to prove that conclusively. Therefore, this variant has been classified as Likely Pathogenic.

GeneDx
Classification: Pathogenic. Last evaluated: 2024-10-02. Review status: criteria provided, single submitter. Criteria: GeneDx Variant Classification Process June 2021. Collection method: clinical testing. Allele origin: germline. Affected: yes.
Comment: Not observed at significant frequency in large population cohorts (gnomAD); In silico analysis is inconclusive as to whether the variant alters gene splicing. In the absence of RNA/functional studies, the actual effect of this sequence change is unknown.; This variant is associated with the following publications: (PMID: 10406661, 28641477)

Blueprint Genetics
Classification: Likely pathogenic for COL2A1-related disorders. Last evaluated: 2019-11-25. Review status: criteria provided, single submitter. Criteria: ACMG Guidelines, 2015. Collection method: clinical testing. Allele origin: germline. Affected: yes. Observed: 1 variant allele.

Literature cited by the submitters: PubMed 10406661 (cited by Labcorp Genetics (formerly Invitae), Labcorp); PubMed 17576681 (cited by Labcorp Genetics (formerly Invitae), Labcorp); PubMed 9536098 (cited by Labcorp Genetics (formerly Invitae), Labcorp).